The following is an entry in ClinVar:

ClinVar aggregate classification (germline): Pathogenic. Review status: criteria provided, single submitter (1 of 4 stars). 2 submissions from 2 submitters: Pathogenic (1). 1 of the submissions does not count toward it. Last evaluated 2024-09-18.

Conditions:
CDKL5 disorder. Identifiers: MedGen CN296942, MONDO:0100039.
Developmental and epileptic encephalopathy, 2 (DEE2). Also called: INFANTILE SPASM SYNDROME, X-LINKED 2; CDKL5 deficiency disorder. Identifiers: Orphanet 1934, Orphanet 3451, Orphanet 505652, MedGen C4750718, MONDO:0010396, OMIM 300672.

Submissions (2):

Centre for Population Genomics, CPG
Classification: Pathogenic for CDKL5 disorder. Last evaluated: 2024-09-18. Review status: criteria provided, single submitter. Criteria: McKnight et al. (Hum Mutat. 2022). Collection method: curation. Allele origin: germline. Inheritance: X-linked inheritance.
Comment: This variant has been collected from RettBASE and curated to current modified ACMG/AMP criteria. Based on the classification scheme defined by the ClinGen Rett/Angelman-like Expert Panel for Rett/AS-like Disorders Specifications to the ACMG/AMP Variant Interpretation Guidelines VCEP 3.0, this variant is classified as pathogenic. At least the following criteria are met: Predicted to result in loss of function, and LOF is a known mechanism of disease (PVS1). This variant has been identified as a de novo occurrence in an individual with CDKL5 disorder without confirmation of paternity and maternity (PM6). PMID: 23064044 This variant is absent from gnomAD v4 (PM2_Supporting).

RettBASE
Classification: Pathogenic for Epileptic encephalopathy, early infantile, 2. Last evaluated: 2014-03-13. Review status: no assertion criteria provided. Collection method: curation. Allele origin: de novo. Affected: yes. Observed: 1 variant allele. Not counted in ClinVar's aggregate classification.

Literature cited by the submitters: PubMed 23064044 (cited by RettBASE).

NM_001323289.2(CDKL5):c.1008_1029del (p.Ser337fs)

Gene: CDKL5 (cyclin dependent kinase like 5; plus strand). Cytogenetic location: Xp22.13.
Variant type: Deletion.
Coding change: c.1008_1029del on transcript NM_001323289.2 (MANE Select); coding-DNA positions 1008 to 1029, 22 bases deleted (GTCTCACCACAGATCTAACAGC).
Protein change: p.Ser337fs; shifts the reading frame from serine 337.
Molecular consequence: frameshift variant.
Genome position (GRCh38, 1-based): chrX:18,603,932-18,603,953, GTCTCACCACAGATCTAACAGC deleted. VCF-style (leftmost placement, unchanged base first): chrX-18603931-AGTCTCACCACAGATCTAACAGC-A. GRCh37 (hg19) VCF-style: chrX-18622051-AGTCTCACCACAGATCTAACAGC-A.
Other names: NM_001323289.2(CDKL5):c.1008_1029del; p.Ser337fs; c.1008_1029del22 (NM_003159.2); c.1008_1029del, p.Ser337fs (NM_001037343.2, NM_003159.3); short protein forms S337fs.
Identifiers: ClinVar variation 189551 (VCV000189551.3), dbSNP rs786204964, ClinGen allele CA199373.